The following is an entry in ClinVar:

ClinVar aggregate classification (germline): Pathogenic. Review status: criteria provided, single submitter (1 of 4 stars). 2 submissions from 2 submitters: Pathogenic (1). 1 of the submissions does not count toward it. Last evaluated 2023-08-16.

Conditions:
Methylmalonic aciduria, cblB type (MACB). Also called: Methylmalonic acidemia cblB type; METHYLMALONIC ACIDURIA, VITAMIN B12-RESPONSIVE, DUE TO DEFECT IN SYNTHESIS OF ADENOSYLCOBALAMIN, cblB TYPE; Vitamin B12-responsive methylmalonic acidemia type cblB. Identifiers: Orphanet 28, Orphanet 79311, MedGen C1855102, MONDO:0009614, OMIM 251110.

Allele frequency attached by ClinVar (database versions not stated): gnomAD exomes below 0.00001.
gnomAD v4.1: 1 of 1,612,742 alleles (0.000062%); highest among the groups gnomAD compares: Non-Finnish European, 0.000085%; no homozygotes.

Submissions (2):

Labcorp Genetics (formerly Invitae), Labcorp
Classification: Pathogenic for Methylmalonic aciduria, cblB type. Last evaluated: 2023-08-16. Review status: criteria provided, single submitter. Criteria: Invitae Variant Classification Sherloc (09022015). Collection method: clinical testing. Allele origin: germline.
Comment: Algorithms developed to predict the effect of sequence changes on RNA splicing suggest that this variant may disrupt the consensus splice site. ClinVar contains an entry for this variant (Variation ID: 550985). Disruption of this splice site has been observed in individuals with methylmalonic aciduria (PMID: 16410054). This variant is not present in population databases (gnomAD no frequency). This sequence change affects an acceptor splice site in intron 7 of the MMAB gene. It is expected to disrupt RNA splicing. Variants that disrupt the donor or acceptor splice site typically lead to a loss of protein function (PMID: 16199547), and loss-of-function variants in MMAB are known to be pathogenic (PMID: 15781192, 16410054). For these reasons, this variant has been classified as Pathogenic.

Counsyl
Classification: Pathogenic for Methylmalonic aciduria, cblB type. Last evaluated: 2017-03-22. Review status: no assertion criteria provided. Collection method: clinical testing. Allele origin: unknown. Not counted in ClinVar's aggregate classification.

Literature cited by the submitters: PubMed 16410054 (cited by Labcorp Genetics (formerly Invitae), Labcorp and Counsyl); PubMed 16199547 (cited by Labcorp Genetics (formerly Invitae), Labcorp); PubMed 15781192 (cited by Labcorp Genetics (formerly Invitae), Labcorp).

NM_052845.4(MMAB):c.585-2A>C

Gene: MMAB (metabolism of cobalamin associated B; minus strand). Cytogenetic location: 12q24.11.
Variant type: single nucleotide variant.
Coding change: c.585-2A>C on transcript NM_052845.4 (MANE Select); the canonical splice acceptor site of the intron before coding-DNA position 585, A replaced by C.
Molecular consequence: splice acceptor variant.
Genome position (GRCh38, 1-based): chr12:109,559,157, T>G on the plus strand (A>C on the coding strand, the complement: MMAB is on the minus strand). VCF-style: chr12-109559157-T-G. GRCh37 (hg19) VCF-style: chr12-109996962-T-G.
Identifiers: ClinVar variation 550985 (VCV000550985.10), dbSNP rs1555274254, ClinGen allele CA386636314.
Genomic context (GRCh38, chr12:109,559,157, plus strand): 5'-TGTTTAAGAACTTGGCCACGTTCGCATCGGTCTCTCCCATCTGGACAAGAGGCACCACAC[T>G]AGAAAGGGAGGAGACACTGAGTCACGTGACATTATGGGGCTCAACAGGCTCTGACCTGGG-3'